The following is an entry in ClinVar:

ClinVar aggregate classification (germline): Uncertain significance (1 of 4 stars; one submission).

Allele frequency attached by ClinVar (database versions not stated): TOPMed 0.00001.

Submission:

Labcorp Genetics (formerly Invitae), Labcorp
Classification: Uncertain significance. Last evaluated: 2021-12-02. Review status: criteria provided, single submitter. Criteria: Invitae Variant Classification Sherloc (09022015). Collection method: clinical testing. Allele origin: germline.
Comment: This variant has not been reported in the literature in individuals affected with COQ8A-related conditions. ClinVar contains an entry for this variant (Variation ID: 1034816). Advanced modeling of protein sequence and biophysical properties (such as structural, functional, and spatial information, amino acid conservation, physicochemical variation, residue mobility, and thermodynamic stability) performed at Invitae indicates that this missense variant is not expected to disrupt COQ8A protein function. In summary, the available evidence is currently insufficient to determine the role of this variant in disease. Therefore, it has been classified as a Variant of Uncertain Significance. This variant is not present in population databases (gnomAD no frequency). This sequence change replaces alanine, which is neutral and non-polar, with valine, which is neutral and non-polar, at codon 87 of the COQ8A protein (p.Ala87Val).

NM_020247.5(COQ8A):c.260C>T (p.Ala87Val)

Gene: COQ8A (coenzyme Q8A; plus strand). Cytogenetic location: 1q42.13.
Variant type: single nucleotide variant.
Coding change: c.260C>T on transcript NM_020247.5 (MANE Select); coding-DNA position 260, C replaced by T.
Protein change: p.Ala87Val; replaces alanine 87 with valine.
Molecular consequence: missense variant.
Genome position (GRCh38, 1-based): chr1:226,965,082, C>T. VCF-style: chr1-226965082-C-T. GRCh37 (hg19) VCF-style: chr1-227152783-C-T.
Other names: short protein forms A87V.
Identifiers: ClinVar variation 1034816 (VCV001034816.7), dbSNP rs1658478354, ClinGen allele CA345049998.
Genomic context (GRCh38, chr1:226,965,082, plus strand): 5'-ATTTTGCTGAGAACTTCGGCGGCCCAGAAGGGGAGTTCCACTTCTCAGTCCCGCATGCAG[C>T]CGGAGCCTCCACAGACTTCTCTTCAGCCTCCGCTCCCGACCAGTCAGCGCCCCCATCCCT-3'
Protein context (NP_064632.2, residues 77-97): GEFHFSVPHA[Ala87Val]GASTDFSSAS